The following is an entry in ClinVar:

NM_005359.6(SMAD4):c.464G>C (p.Ser155Thr)

Gene: SMAD4 (SMAD family member 4; plus strand). Cytogenetic location: 18q21.2.
Variant type: single nucleotide variant.
Coding change: c.464G>C on transcript NM_005359.6 (MANE Select); coding-DNA position 464, G replaced by C.
Protein change: p.Ser155Thr; replaces serine 155 with threonine.
Molecular consequence: missense variant.
Genome position (GRCh38, 1-based): chr18:51,054,790, G>C. VCF-style: chr18-51054790-G-C. GRCh37 (hg19) VCF-style: chr18-48581160-G-C.
Other names: short protein forms S155T.
Identifiers: ClinVar variation 861894 (VCV000861894.10), dbSNP rs199790852, ClinGen allele CA8965818.

ClinVar aggregate classification (germline): Uncertain significance. Review status: criteria provided, multiple submitters, no conflicts (2 of 4 stars). 2 submissions from 2 submitters: Uncertain significance (2). Last evaluated 2026-02-02.

Conditions:
Familial thoracic aortic aneurysm and aortic dissection (TAAD). Also called: Thoracic aortic aneurysms and dissections. Identifiers: Orphanet 91387, MedGen C4707243, MONDO:0019625.
Hereditary cancer-predisposing syndrome. Also called: Hereditary neoplastic syndrome; Tumor predisposition; Neoplastic Syndromes, Hereditary; Hereditary Cancer Syndrome. Identifiers: Orphanet 140162, MedGen C0027672, MeSH D009386, MONDO:0015356.
Juvenile polyposis syndrome (JPS). Identifiers: Orphanet 2929, MedGen C0345893, MONDO:0017380, OMIM 174900.

gnomAD v4.1: 4 of 1,594,684 alleles (0.00025%); highest among the groups gnomAD compares: South Asian, 0.0044%; no homozygotes.

Submissions (2):

Labcorp Genetics (formerly Invitae), Labcorp
Classification: Uncertain significance for Juvenile polyposis syndrome. Last evaluated: 2026-02-02. Review status: criteria provided, single submitter. Criteria: Invitae Variant Classification Sherloc (09022015). Collection method: clinical testing. Allele origin: germline.
Comment: This sequence change replaces serine, which is neutral and polar, with threonine, which is neutral and polar, at codon 155 of the SMAD4 protein (p.Ser155Thr). This variant is present in population databases (rs199790852, gnomAD 0.003%). This variant has not been reported in the literature in individuals affected with SMAD4-related conditions. ClinVar contains an entry for this variant (Variation ID: 861894). Invitae Evidence Modeling of protein sequence and biophysical properties (such as structural, functional, and spatial information, amino acid conservation, physicochemical variation, residue mobility, and thermodynamic stability) indicates that this missense variant is not expected to disrupt SMAD4 protein function with a negative predictive value of 95%. In summary, the available evidence is currently insufficient to determine the role of this variant in disease. Therefore, it has been classified as a Variant of Uncertain Significance.

Ambry Genetics
Classification: Uncertain significance for Hereditary cancer-predisposing syndrome; Familial thoracic aortic aneurysm and aortic dissection. Last evaluated: 2025-04-06. Review status: criteria provided, single submitter. Criteria: Ambry Variant Classification Scheme 2023. Collection method: clinical testing. Allele origin: germline.
Comment: The p.S155T variant (also known as c.464G>C), located in coding exon 4 of the SMAD4 gene, results from a G to C substitution at nucleotide position 464. The serine at codon 155 is replaced by threonine, an amino acid with similar properties. This amino acid position is conserved. In addition, the in silico prediction for this alteration is inconclusive. Based on the available evidence, the clinical significance of this variant remains unclear.